The following is an entry in ClinVar:

ClinVar aggregate classification (germline): Benign. Review status: criteria provided, multiple submitters, no conflicts (2 of 4 stars). 5 submissions from 5 submitters: Benign (5). Last evaluated 2026-02-02.

Conditions:
Congenital stationary night blindness 1D. Also called: Night blindness, congenital stationary (complete), 1D, autosomal recessive. Identifiers: Orphanet 215, MedGen C3151193, MONDO:0013450, OMIM 613830.

Allele frequency attached by ClinVar (database versions not stated): ExAC 0.05220; TOPMed 0.06381; ESP Exome Variant Server 0.06661; 1000 Genomes Project 0.05651; 1000 Genomes Project 30x 0.05856; gnomAD exomes 0.05179; gnomAD 0.06248 and 0.06350.

Submissions (10):

Labcorp Genetics (formerly Invitae), Labcorp
Classification: Benign. Last evaluated: 2026-02-02. Review status: criteria provided, single submitter. Criteria: Invitae Variant Classification Sherloc (09022015). Collection method: clinical testing. Allele origin: germline.

GeneDx
Classification: Benign. Last evaluated: 2021-05-05. Review status: criteria provided, single submitter. Criteria: GeneDx Variant Classification Process June 2021. Collection method: clinical testing. Allele origin: germline. Affected: yes.

Illumina Laboratory Services, Illumina
Classification: Benign for Congenital stationary night blindness 1D. Last evaluated: 2018-01-13. Review status: criteria provided, single submitter. Criteria: ICSL Variant Classification Criteria 13 December 2019. Collection method: clinical testing. Allele origin: germline.
Comment: This variant was observed in the ICSL laboratory as part of a predisposition screen in an ostensibly healthy population. It had not been previously curated by ICSL or reported in the Human Gene Mutation Database (HGMD: prior to June 1st, 2018), and was therefore a candidate for classification through an automated scoring system. Utilizing variant allele frequency, disease prevalence and penetrance estimates, and inheritance mode, an automated score was calculated to assess if this variant is too frequent to cause the disease. Based on the score and internal cut-off values, a variant classified as benign is not then subjected to further curation. The score for this variant resulted in a classification of benign for this disease.

Breakthrough Genomics
Classification: Benign. Review status: criteria provided, single submitter. Criteria: ACMG Guidelines, 2015. Collection method: not provided. Allele origin: germline. Inheritance: Autosomal recessive inheritance. Affected: yes.

PreventionGenetics, part of Exact Sciences
Classification: Benign. Review status: criteria provided, single submitter. Criteria: ACMG Guidelines, 2015. Collection method: clinical testing. Allele origin: germline.

Dr. Peter K. Rogan Lab, Western University
No classification provided (evidence only). Condition: Colon adenocarcinoma. Review status: no classification provided. Collection method: in vitro. Allele origin: not applicable. Functional consequence: retained intron. Not counted in ClinVar's aggregate classification.

Dr. Peter K. Rogan Lab, Western University
No classification provided (evidence only). Condition: Colon adenocarcinoma. Review status: no classification provided. Collection method: in vitro. Allele origin: not applicable. Functional consequence: retained intron. Not counted in ClinVar's aggregate classification.

Dr. Peter K. Rogan Lab, Western University
No classification provided (evidence only). Condition: Colon adenocarcinoma. Review status: no classification provided. Collection method: in vitro. Allele origin: not applicable. Functional consequence: retained intron. Not counted in ClinVar's aggregate classification.

Dr. Peter K. Rogan Lab, Western University
No classification provided (evidence only). Condition: Thymoma. Review status: no classification provided. Collection method: in vitro. Allele origin: not applicable. Functional consequence: retained intron. Not counted in ClinVar's aggregate classification.

Dr. Peter K. Rogan Lab, Western University
No classification provided (evidence only). Condition: Uveal melanoma. Review status: no classification provided. Collection method: in vitro. Allele origin: not applicable. Functional consequence: retained intron. Not counted in ClinVar's aggregate classification.

NM_004727.3(SLC24A1):c.937T>G (p.Leu313Val)

Gene: SLC24A1 (solute carrier family 24 member 1; plus strand). Cytogenetic location: 15q22.31.
Variant type: single nucleotide variant.
Coding change: c.937T>G on transcript NM_004727.3 (MANE Select); coding-DNA position 937, T replaced by G.
Protein change: p.Leu313Val; replaces leucine 313 with valine.
Molecular consequence: missense variant.
Genome position (GRCh38, 1-based): chr15:65,625,017, T>G. VCF-style: chr15-65625017-T-G. GRCh37 (hg19) VCF-style: chr15-65917355-T-G.
Other names: c.937T>G, p.Leu313Val (NM_001301031.1, NM_001301032.1, NM_001301033.2); short protein forms L313V.
Identifiers: ClinVar variation 259527 (VCV000259527.18), dbSNP rs35571449, ClinGen allele CA7619824.